The following is an entry in ClinVar:

NM_000064.4(C3):c.463A>C (p.Lys155Gln)

Gene: C3 (complement C3; minus strand). Cytogenetic location: 19p13.3.
Variant type: single nucleotide variant.
Coding change: c.463A>C on transcript NM_000064.4 (MANE Select); coding-DNA position 463, A replaced by C.
Protein change: p.Lys155Gln; replaces lysine 155 with glutamine.
Molecular consequence: missense variant.
Genome position (GRCh38, 1-based): chr19:6,718,135, T>G on the plus strand (A>C on the coding strand, the complement: C3 is on the minus strand). VCF-style: chr19-6718135-T-G. GRCh37 (hg19) VCF-style: chr19-6718146-T-G.
Other names: C3, LYS155GLN (rs147859257); c.463A>C (LRG_27t1); short protein forms K155Q.
Identifiers: ClinVar variation 92162 (VCV000092162.45), dbSNP rs147859257, ClinGen allele CA213419.

ClinVar aggregate classification (germline): Conflicting classifications of pathogenicity. Review status: criteria provided, conflicting classifications (1 of 4 stars). 14 submissions from 12 submitters: Uncertain significance (4); Benign (3); Likely benign (5). 2 of the submissions do not count toward it. Last evaluated 2026-02-03.

Conditions:
C3-related disorder. Also called: C3-related condition.
C3 glomerulonephritis. Also called: C3 GLOMERULOPATHY 3; Nephropathy due to CFHR5 Deficiency. Identifiers: Orphanet 329931, MedGen C4055342, MONDO:0013892, OMIM 614809.
Atypical hemolytic-uremic syndrome. Identifiers: Orphanet 2134, MedGen C2931788, MONDO:0016244.
Complement component 3 deficiency. Identifiers: Orphanet 280133, MedGen C3151071, MONDO:0013417, OMIM 613779.
Atypical hemolytic-uremic syndrome with C3 anomaly. Also called: AHUS, SUSCEPTIBILITY TO, 5. Identifiers: Orphanet 2134, MedGen C2752037, MONDO:0013043, OMIM 612925.
Age related macular degeneration 9. Identifiers: MedGen C1969651, MONDO:0012659, OMIM 611378.
Retinal dystrophy. Also called: Inherited retinal dystrophy. Identifiers: Orphanet 71862, MedGen C0854723, MeSH D058499, MONDO:0019118, HP:0000556.
MACULAR DEGENERATION, AGE-RELATED, 9, SUSCEPTIBILITY TO.

Allele frequency attached by ClinVar (database versions not stated): 1000 Genomes Project 0.00040; 1000 Genomes Project 30x 0.00047; TOPMed 0.00230; gnomAD 0.00240 and 0.00250; gnomAD exomes 0.00279 and 0.00400; ESP Exome Variant Server 0.00292; ExAC 0.00336.
gnomAD v4.1: 6,125 of 1,614,084 alleles (0.38%); highest among the groups gnomAD compares: Non-Finnish European, 0.49%; 18 homozygotes.

Submissions (14):

Labcorp Genetics (formerly Invitae), Labcorp
Classification: Benign. Last evaluated: 2026-02-03. Review status: criteria provided, single submitter. Criteria: Invitae Variant Classification Sherloc (09022015). Collection method: clinical testing. Allele origin: germline.

Women's Health and Genetics/Laboratory Corporation of America, LabCorp
Classification: Likely benign. Last evaluated: 2026-02-02. Review status: criteria provided, single submitter. Criteria: LabCorp Variant Classification Summary - May 2015. Collection method: clinical testing. Allele origin: germline.
Comment: Variant summary: C3 c.463A>C (p.Lys155Gln) results in a conservative amino acid change in the encoded protein sequence. Algorithms developed to predict the effect of missense changes on protein structure and function all suggest that this variant is likely to be tolerated. The variant allele was found at a frequency of 0.0028 in 251454 control chromosomes, predominantly at a frequency of 0.0056 within the Non-Finnish European subpopulation in the gnomAD database, including 2 homozygotes. The observed variant frequency within Non-Finnish European control individuals in the gnomAD database exceeds the estimated maximal expected allele frequency for disease-causing variants in C3. ClinVar contains an entry for this variant (Variation ID: 92162). Based on the evidence outlined above, the variant was classified as likely benign.

Genomenon, Inc
Classification: Benign for Complement component 3 deficiency; C3 glomerulonephritis; Atypical hemolytic-uremic syndrome. Last evaluated: 2025-09-30. Review status: criteria provided, single submitter. Criteria: Genomenon Sequence Variant Interpretation Standards. Collection method: curation. Allele origin: germline. Affected: no.
Comment: C3 p.Lys155Gln (c.463A>C) is a missense variant that changes the amino acid at residue 155 from Lysine to Glutamine. This variant is present at high allele frequency in population databases. In conclusion, we classify C3 p.Lys155Gln (c.463A>C) as a benign variant.

Mayo Clinic Laboratories, Mayo Clinic
Classification: Likely benign. Last evaluated: 2025-03-24. Review status: criteria provided, single submitter. Criteria: ACMG Guidelines, 2015. Collection method: clinical testing. Allele origin: germline. Observed: 16 variant alleles.
Comment: BS1, BP4_moderate

Blueprint Genetics
Classification: Likely benign. Last evaluated: 2024-11-26. Review status: criteria provided, single submitter. Criteria: ACMG Guidelines, 2015. Collection method: clinical testing. Allele origin: germline.

CeGaT Center for Human Genetics Tuebingen
Classification: Likely benign. Last evaluated: 2023-08-01. Review status: criteria provided, single submitter. Criteria: CeGaT Center For Human Genetics Tuebingen Variant Classification Criteria Version 2. Collection method: clinical testing. Allele origin: germline. Affected: yes. Observed: 2 variant alleles.
Comment: C3: BP4

Institute of Human Genetics, Univ. Regensburg, Univ. Regensburg
Classification: Uncertain significance for Retinal dystrophy. Last evaluated: 2023-01-01. Review status: criteria provided, single submitter. Criteria: ACMG Guidelines, 2015. Collection method: clinical testing. Allele origin: germline. Affected: yes.

Fulgent Genetics
Classification: Uncertain significance for Age related macular degeneration 9; Atypical hemolytic-uremic syndrome with C3 anomaly; Complement component 3 deficiency. Last evaluated: 2018-10-31. Review status: criteria provided, single submitter. Criteria: ACMG Guidelines, 2015. Collection method: clinical testing. Allele origin: unknown.

Illumina Laboratory Services, Illumina
Classification: Likely benign for Complement component 3 deficiency. Last evaluated: 2017-05-23. Review status: criteria provided, single submitter. Criteria: ICSL Variant Classification Criteria 13 December 2019. Collection method: clinical testing. Allele origin: germline.
Comment: This variant was observed as part of a predisposition screen in an ostensibly healthy population. A literature search was performed for the gene, cDNA change, and amino acid change (where applicable). No publications were found based on this search. Allele frequency data from public databases allowed determination this variant is unlikely to cause disease. Therefore, this variant is classified as likely benign.

Illumina Laboratory Services, Illumina
Classification: Benign for Atypical hemolytic-uremic syndrome with C3 anomaly. Last evaluated: 2017-05-23. Review status: criteria provided, single submitter. Criteria: ICSL Variant Classification Criteria 13 December 2019. Collection method: clinical testing. Allele origin: germline.
Comment: This variant was observed as part of a predisposition screen in an ostensibly healthy population. A literature search was performed for the gene, cDNA change, and amino acid change (where applicable). No publications were found based on this search. Allele frequency data from public databases was too high to be consistent with this variant causing disease. Therefore, this variant is classified as benign.

Illumina Laboratory Services, Illumina
Classification: Uncertain significance for Age related macular degeneration 9. Last evaluated: 2017-05-23. Review status: criteria provided, single submitter. Criteria: ICSL Variant Classification Criteria 13 December 2019. Collection method: clinical testing. Allele origin: germline.

Genomic Diagnostic Laboratory, Division of Genomic Diagnostics, Children's Hospital of Philadelphia
Classification: Uncertain significance. Last evaluated: 2015-06-11. Review status: criteria provided, single submitter. Criteria: DGD Variant Analysis Guidelines. Collection method: clinical testing. Allele origin: unknown.

PreventionGenetics, part of Exact Sciences
Classification: Likely benign for C3-related condition. Last evaluated: 2024-01-09. Review status: no assertion criteria provided. Collection method: clinical testing. Allele origin: germline. Not counted in ClinVar's aggregate classification.
Comment: This variant is classified as likely benign based on ACMG/AMP sequence variant interpretation guidelines (Richards et al. 2015 PMID: 25741868, with internal and published modifications).

OMIM
Classification: risk factor for MACULAR DEGENERATION, AGE-RELATED, 9, SUSCEPTIBILITY TO. Last evaluated: 2013-11-01. Review status: no assertion criteria provided. Collection method: literature only. Allele origin: germline. Not counted in ClinVar's aggregate classification.

Literature cited by the submitters: PubMed 34748552 (cited by Mayo Clinic Laboratories, Mayo Clinic and Institute of Human Genetics, Univ. Regensburg, Univ. Regensburg); PubMed 22673887 (cited by Institute of Human Genetics, Univ. Regensburg, Univ. Regensburg); PubMed 22594991 (cited by Institute of Human Genetics, Univ. Regensburg, Univ. Regensburg); PubMed 24036950 (cited by Institute of Human Genetics, Univ. Regensburg, Univ. Regensburg and OMIM); PubMed 24036952 (cited by Institute of Human Genetics, Univ. Regensburg, Univ. Regensburg and OMIM); PubMed 24036949 (cited by Institute of Human Genetics, Univ. Regensburg, Univ. Regensburg and OMIM); PubMed 26830967 (cited by Institute of Human Genetics, Univ. Regensburg, Univ. Regensburg); PubMed 26767664 (cited by Institute of Human Genetics, Univ. Regensburg, Univ. Regensburg); PubMed 28011711 (cited by Institute of Human Genetics, Univ. Regensburg, Univ. Regensburg); PubMed 29410599 (cited by Institute of Human Genetics, Univ. Regensburg, Univ. Regensburg); PubMed 29888403 (cited by Institute of Human Genetics, Univ. Regensburg, Univ. Regensburg); PubMed 30131807 (cited by Institute of Human Genetics, Univ. Regensburg, Univ. Regensburg).